The following is an entry in ClinVar:

ClinVar aggregate classification (germline): Uncertain significance (1 of 4 stars; one submission).

Conditions:
Catecholaminergic polymorphic ventricular tachycardia 1. Also called: VENTRICULAR TACHYCARDIA, STRESS-INDUCED POLYMORPHIC 1; RYR2-Related Catecholaminergic Polymorphic Ventricular Tachycardia; VENTRICULAR TACHYCARDIA, CATECHOLAMINERGIC POLYMORPHIC, 1, WITH OR WITHOUT ATRIAL DYSFUNCTION AND/OR DILATED CARDIOMYOPATHY. Identifiers: Orphanet 3286, MedGen C1631597, MONDO:0011484, OMIM 604772.

Submission:

Labcorp Genetics (formerly Invitae), Labcorp
Classification: Uncertain significance for Catecholaminergic polymorphic ventricular tachycardia 1. Last evaluated: 2025-11-22. Review status: criteria provided, single submitter. Criteria: Invitae Variant Classification Sherloc (09022015). Collection method: clinical testing. Allele origin: germline.
Comment: This sequence change replaces glycine, which is neutral and non-polar, with glutamic acid, which is acidic and polar, at codon 3826 of the RYR2 protein (p.Gly3826Glu). This variant is not present in population databases (gnomAD no frequency). This variant has not been reported in the literature in individuals affected with RYR2-related conditions. An algorithm developed to predict the effect of missense changes on protein structure and function (PolyPhen-2) suggests that this variant is likely to be disruptive. Algorithms developed to predict the effect of sequence changes on RNA splicing suggest that this variant may create or strengthen a splice site. In summary, the available evidence is currently insufficient to determine the role of this variant in disease. Therefore, it has been classified as a Variant of Uncertain Significance.

NM_001035.3(RYR2):c.11477G>A (p.Gly3826Glu)

Gene: RYR2 (ryanodine receptor 2; plus strand). Cytogenetic location: 1q43.
Variant type: single nucleotide variant.
Coding change: c.11477G>A on transcript NM_001035.3 (MANE Select); coding-DNA position 11477, G replaced by A.
Protein change: p.Gly3826Glu; replaces glycine 3826 with glutamic acid.
Molecular consequence: missense variant.
Genome position (GRCh38, 1-based): chr1:237,770,807, G>A. VCF-style: chr1-237770807-G-A. GRCh37 (hg19) VCF-style: chr1-237934107-G-A.
Other names: short protein forms G3826E.
Identifiers: ClinVar variation 4799460 (VCV004799460.1).
Genomic context (GRCh38, chr1:237,770,807, plus strand): 5'-AGAAAGGGAGCGGCAGGCTGGGGTGGCTGGTAATGTTTGATCCCTCTGGATTTCCCACAG[G>A]AGAAAAGGTTCTGCAGGACGATGAGTTCACCTGTGACCTCTTCCGATTCCTGCAACTACT-3'
Protein context (NP_001026.2, residues 3816-3836): GLGMVTEEGS[Gly3826Glu]EKVLQDDEFT